The following is an entry in ClinVar:

NM_000235.4(LIPA):c.417C>A (p.Phe139Leu)

Gene: LIPA (lipase A, lysosomal acid type; minus strand). Cytogenetic location: 10q23.31.
Variant type: single nucleotide variant.
Coding change: c.417C>A on transcript NM_000235.4 (MANE Select); coding-DNA position 417, C replaced by A.
Protein change: p.Phe139Leu; replaces phenylalanine 139 with leucine.
Molecular consequence: missense variant.
Genome position (GRCh38, 1-based): chr10:89,228,211, G>T on the plus strand (C>A on the coding strand, the complement: LIPA is on the minus strand). VCF-style: chr10-89228211-G-T. GRCh37 (hg19) VCF-style: chr10-90987968-G-T.
Other names: c.417C>A, p.Phe139Leu (NM_001127605.3); c.69C>A, p.Phe23Leu (NM_001288979.2); short protein forms F23L, F139L.
Identifiers: ClinVar variation 695054 (VCV000695054.2), dbSNP rs1589558062, ClinGen allele CA377517748.

ClinVar aggregate classification (germline): Likely pathogenic (1 of 4 stars; one submission).

Conditions:
Lysosomal acid lipase deficiency. Also called: Acid cholesteryl ester hydrolase deficiency, type 2. Identifiers: Orphanet 275761, MedGen C5574740, MONDO:0800449, MONDO:0010204.

Submission:

Alexion, Astrazeneca Rare Disease, Astrazeneca
Classification: Likely pathogenic for Lysosomal acid lipase deficiency. Last evaluated: 2019-06-01. Review status: criteria provided, single submitter. Criteria: ACMG Guidelines, 2015. Collection method: research. Allele origin: germline. Affected: yes.
Comment: ACMG PS3 criterion ascertained by in-vitro functional study, PMID:31180157

Literature cited by the submitters: PubMed 31180157.